The following is an entry in ClinVar:

NM_001036.6(RYR3):c.14142+4A>G

Genes: AVEN (apoptosis and caspase activation inhibitor; minus strand), RYR3 (ryanodine receptor 3; plus strand). Cytogenetic location: 15q14.
Variant type: single nucleotide variant.
Coding change: c.14142+4A>G on transcript NM_001036.6 (MANE Select); 4 bases into the intron after coding-DNA position 14142, A replaced by G.
Molecular consequence: intron variant.
Genome position (GRCh38, 1-based): chr15:33,857,918, A>G. VCF-style: chr15-33857918-A-G. GRCh37 (hg19) VCF-style: chr15-34150119-A-G.
Other names: c.14127+4A>G (NM_001243996.4).
Identifiers: ClinVar variation 1055011 (VCV001055011.7), dbSNP rs1235991079, ClinGen allele CA617165402.
Genomic context (GRCh38, chr15:33,857,918, plus strand): 5'-TACAACAAAAGCGAAGACGATGACGAGCCCGATATGAAGTGCGACGACATGATGACGGTG[A>G]GAGCCCACCCACTGCGGGGCCAGCCCACCCACTGCGGGGCCACCCCGCCCCACCACCTCA-3'

ClinVar aggregate classification (germline): Uncertain significance (1 of 4 stars; one submission).

Conditions:
Epileptic encephalopathy. Identifiers: MedGen C0543888, HP:0200134.

Allele frequency attached by ClinVar (database versions not stated): gnomAD exomes below 0.00001; TOPMed below 0.00001; gnomAD 0.00001.
gnomAD v4.1: 6 of 1,613,318 alleles (0.00037%); highest among the groups gnomAD compares: Non-Finnish European, 0.00051%; no homozygotes.

Submission:

Labcorp Genetics (formerly Invitae), Labcorp
Classification: Uncertain significance for Epileptic encephalopathy. Last evaluated: 2024-02-24. Review status: criteria provided, single submitter. Criteria: Invitae Variant Classification Sherloc (09022015). Collection method: clinical testing. Allele origin: germline.
Comment: This sequence change falls in intron 99 of the RYR3 gene. It does not directly change the encoded amino acid sequence of the RYR3 protein. It affects a nucleotide within the consensus splice site. This variant is present in population databases (no rsID available, gnomAD 0.002%). This variant has not been reported in the literature in individuals affected with RYR3-related conditions. ClinVar contains an entry for this variant (Variation ID: 1055011). Variants that disrupt the consensus splice site are a relatively common cause of aberrant splicing (PMID: 17576681, 9536098). Algorithms developed to predict the effect of sequence changes on RNA splicing suggest that this variant may disrupt the consensus splice site. In summary, the available evidence is currently insufficient to determine the role of this variant in disease. Therefore, it has been classified as a Variant of Uncertain Significance.

Literature cited by the submitters: PubMed 17576681; PubMed 9536098.